The following is an entry in ClinVar:

NM_016139.4(CHCHD2):c.53G>A (p.Arg18Gln)

Gene: CHCHD2 (coiled-coil-helix-coiled-coil-helix domain containing 2; minus strand). Cytogenetic location: 7p11.2.
Variant type: single nucleotide variant.
Coding change: c.53G>A on transcript NM_016139.4 (MANE Select); coding-DNA position 53, G replaced by A.
Protein change: p.Arg18Gln; replaces arginine 18 with glutamine.
Molecular consequence: missense variant.
Genome position (GRCh38, 1-based): chr7:56,104,473, C>T on the plus strand (G>A on the coding strand, the complement: CHCHD2 is on the minus strand). VCF-style: chr7-56104473-C-T. GRCh37 (hg19) VCF-style: chr7-56172166-C-T.
Other names: c.53G>A, p.Arg18Gln (NM_001320327.2); short protein forms R18Q.
Identifiers: ClinVar variation 1061427 (VCV001061427.9), dbSNP rs758600568, ClinGen allele CA4270589.
Genomic context (GRCh38, chr7:56,104,473, plus strand): 5'-GCCGCTGCTGGTGGCTGAGCGACTGGTGCTGGCCTGGGTGCAGCTCTCATCTGAGGGGCC[C>T]GGCTGTGAAAGAAAAGAAAAAAACATCAAGTTCCCAATTCCAACCAGTTTTGGAAATTGT-3'
Protein context (NP_057223.1, residues 8-28): RTSRMAPPAS[Arg18Gln]APQMRAAPRP

ClinVar aggregate classification (germline): Uncertain significance (1 of 4 stars; one submission).

Allele frequency attached by ClinVar (database versions not stated): gnomAD exomes 0.00004; ExAC 0.00006; TOPMed 0.00009; gnomAD 0.00013 and 0.00014.
gnomAD v4.1: 82 of 1,553,296 alleles (0.0053%); highest among the groups gnomAD compares: African/African-American, 0.038%; no homozygotes.

Submission:

Labcorp Genetics (formerly Invitae), Labcorp
Classification: Uncertain significance. Last evaluated: 2024-02-24. Review status: criteria provided, single submitter. Criteria: Invitae Variant Classification Sherloc (09022015). Collection method: clinical testing. Allele origin: germline.
Comment: This sequence change replaces arginine, which is basic and polar, with glutamine, which is neutral and polar, at codon 18 of the CHCHD2 protein (p.Arg18Gln). The frequency data for this variant in the population databases is considered unreliable, as metrics indicate poor data quality at this position in the gnomAD database. This missense change has been observed in individual(s) with Parkinson’s disease (PMID: 27269965). ClinVar contains an entry for this variant (Variation ID: 1061427). Experimental studies and prediction algorithms are not available or were not evaluated, and the functional significance of this variant is currently unknown. Algorithms developed to predict the effect of sequence changes on RNA splicing suggest that this variant may create or strengthen a splice site. In summary, the available evidence is currently insufficient to determine the role of this variant in disease. Therefore, it has been classified as a Variant of Uncertain Significance.

Literature cited by the submitters: PubMed 27269965.